The following is an entry in ClinVar:

NM_001065.4(TNFRSF1A):c.551+234A>G

Gene: TNFRSF1A (TNF receptor superfamily member 1A; minus strand). Cytogenetic location: 12p13.31.
Variant type: single nucleotide variant.
Coding change: c.551+234A>G on transcript NM_001065.4 (MANE Select); 234 bases into the intron after coding-DNA position 551, A replaced by G.
Molecular consequence: intron variant.
Genome position (GRCh38, 1-based): chr12:6,332,835, T>C on the plus strand (A>G on the coding strand, the complement: TNFRSF1A is on the minus strand). VCF-style: chr12-6332835-T-C. GRCh37 (hg19) VCF-style: chr12-6442001-T-C.
Other names: c.227+234A>G (NM_001346091.2); c.-27+234A>G (NM_001346092.2).
Identifiers: ClinVar variation 677250 (VCV000677250.1), dbSNP rs4149639, ClinGen allele CA13612642.

ClinVar aggregate classification (germline): Benign (1 of 4 stars; one submission).

Allele frequency attached by ClinVar (database versions not stated): gnomAD 0.06049 and 0.06168; TOPMed 0.06822; 1000 Genomes Project 0.09085; 1000 Genomes Project 30x 0.09416.
gnomAD v4.1: 9,158 of 152,256 alleles (6%); highest among the groups gnomAD compares: African/African-American, 16%; 596 homozygotes.

Submission:

GeneDx
Classification: Benign. Last evaluated: 2018-06-14. Review status: criteria provided, single submitter. Criteria: GeneDx Variant Classification (06012015). Collection method: clinical testing. Allele origin: germline. Affected: yes.
Comment: This variant is considered likely benign or benign based on one or more of the following criteria: it is a conservative change, it occurs at a poorly conserved position in the protein, it is predicted to be benign by multiple in silico algorithms, and/or has population frequency not consistent with disease.